The following is an entry in ClinVar:

NC_000023.10:g.(?_100652797)_(100658993_?)del

Genes: GLA (galactosidase alpha; minus strand), RPL36A-HNRNPH2 (RPL36A-HNRNPH2 readthrough; plus strand). Cytogenetic location: Xq22.1.
Variant type: Deletion.
Identifiers: ClinVar variation 1459356 (VCV001459356.13).

ClinVar aggregate classification (germline): Pathogenic (1 of 4 stars; one submission).

Conditions:
Fabry disease. Also called: CERAMIDE TRIHEXOSIDASE DEFICIENCY; GLA DEFICIENCY; HEREDITARY DYSTOPIC LIPIDOSIS; Fabry's disease; ALPHA-GALACTOSIDASE A DEFICIENCY; ANDERSON-FABRY DISEASE. Identifiers: Orphanet 324, MedGen C0002986, MONDO:0010526, OMIM 301500, HP:0001071. Disease mechanism: Fabry disease is due to inactivating mutations in the X-linked GLA gene resulting in deficiency of the enzyme Alpha Galactosidase-A., loss of function.

Submission:

Labcorp Genetics (formerly Invitae), Labcorp
Classification: Pathogenic for Fabry disease. Last evaluated: 2021-05-17. Review status: criteria provided, single submitter. Criteria: Invitae Variant Classification Sherloc (09022015). Collection method: clinical testing. Allele origin: germline.
Comment: For these reasons, this variant has been classified as Pathogenic. This variant disrupts the C-terminus of the GLA protein. Other variant(s) that disrupt this region (p.Tyr397Metfs*7) have been determined to be pathogenic (PMID: 10666480, 28768754, 31392112, 12428061, Invitae). This suggests that variants that disrupt this region of the protein are likely to be causative of disease. This variant has been observed in individual(s) with clinical features of Fabry disease (Invitae). This variant is a gross deletion of the genomic region encompassing exon(s) 2-7 of the GLA gene. The 5' boundary is likely confined to intron 1. The 3' end of this event is unknown as it extends through the termination codon beyond the assayed region for this gene and may encompass additional genes. While this deletion is not anticipated to lead to nonsense mediated decay, it is expected to alter mRNA translation or result in a truncated protein product.

Literature cited by the submitters: PubMed 10666480; PubMed 28768754; PubMed 31392112; PubMed 12428061.